The following is an entry in ClinVar:

NM_015089.4(CUL9):c.5034_5042del

Gene: CUL9 (cullin 9; plus strand). Cytogenetic location: 6p21.1.
Variant type: Microsatellite.
Coding change: c.5034_5042del on transcript NM_015089.4 (MANE Select); coding-DNA positions 5034 to 5042, 9 bases deleted (GGAAGAGGA; older notation c.5034_5042delGGAAGAGGA).
Molecular consequence: splice acceptor variant.
Genome position (GRCh38, 1-based): chr6:43,206,332-43,206,340, GGAAGAGGA deleted; deleting any 9 consecutive bases within chr6:43,206,319-43,206,340 gives the same sequence; the c. name uses the placement nearest the transcript's 3' end. VCF-style (leftmost placement, unchanged base first): chr6-43206318-CAGGAGGAAG-C. GRCh37 (hg19) VCF-style: chr6-43174056-CAGGAGGAAG-C.
Other names: NC_000006.11:g.43174070_43174078del.
Identifiers: ClinVar variation 2656586 (VCV002656586.23), dbSNP rs542758187, ClinGen allele CA3818288.

ClinVar aggregate classification (germline): Likely benign. Review status: criteria provided, single submitter (1 of 4 stars). 2 submissions from 2 submitters: Likely benign (1). 1 of the submissions does not count toward it. Last evaluated 2023-02-01.

Conditions:
CUL9-related disorder. Also called: CUL9-related condition.

Submissions (11):

CeGaT Center for Human Genetics Tuebingen
Classification: Likely benign. Last evaluated: 2023-02-01. Review status: criteria provided, single submitter. Criteria: CeGaT Center For Human Genetics Tuebingen Variant Classification Criteria Version 2. Collection method: clinical testing. Allele origin: germline. Affected: yes. Observed: 3 variant alleles.
Comment: CUL9: BS2

PreventionGenetics, part of Exact Sciences
Classification: Benign for CUL9-related condition. Last evaluated: 2019-04-29. Review status: no assertion criteria provided. Collection method: clinical testing. Allele origin: germline. Not counted in ClinVar's aggregate classification.
Comment: This variant is classified as benign based on ACMG/AMP sequence variant interpretation guidelines (Richards et al. 2015 PMID: 25741868, with internal and published modifications).

Dr. Peter K. Rogan Lab, Western University
No classification provided (evidence only). Condition: Familial cancer of breast. Review status: no classification provided. Collection method: in vitro. Allele origin: not applicable. Functional consequence: cryptic splice site, skipped exon. Not counted in ClinVar's aggregate classification.

Dr. Peter K. Rogan Lab, Western University
No classification provided (evidence only). Condition: Familial cancer of breast. Review status: no classification provided. Collection method: in vitro. Allele origin: not applicable. Functional consequence: cryptic splice site, retained intron. Not counted in ClinVar's aggregate classification.

Dr. Peter K. Rogan Lab, Western University
No classification provided (evidence only). Condition: Familial cancer of breast. Review status: no classification provided. Collection method: in vitro. Allele origin: not applicable. Functional consequence: cryptic splice site, skipped exon. Not counted in ClinVar's aggregate classification.

Dr. Peter K. Rogan Lab, Western University
No classification provided (evidence only). Condition: Familial cancer of breast. Review status: no classification provided. Collection method: in vitro. Allele origin: not applicable. Functional consequence: cryptic splice site. Not counted in ClinVar's aggregate classification.

Dr. Peter K. Rogan Lab, Western University
No classification provided (evidence only). Condition: Hepatocellular carcinoma. Review status: no classification provided. Collection method: in vitro. Allele origin: not applicable. Functional consequence: cryptic splice site, skipped exon, retained intron. Not counted in ClinVar's aggregate classification.

Dr. Peter K. Rogan Lab, Western University
No classification provided (evidence only). Condition: Familial pancreatic carcinoma. Review status: no classification provided. Collection method: in vitro. Allele origin: not applicable. Functional consequence: cryptic splice site. Not counted in ClinVar's aggregate classification.

Dr. Peter K. Rogan Lab, Western University
No classification provided (evidence only). Condition: Lymphoma. Review status: no classification provided. Collection method: in vitro. Allele origin: not applicable. Functional consequence: cryptic splice site. Not counted in ClinVar's aggregate classification.

Dr. Peter K. Rogan Lab, Western University
No classification provided (evidence only). Condition: Lymphoma. Review status: no classification provided. Collection method: in vitro. Allele origin: not applicable. Functional consequence: cryptic splice site. Not counted in ClinVar's aggregate classification.

Dr. Peter K. Rogan Lab, Western University
No classification provided (evidence only). Condition: Ovarian cancer. Review status: no classification provided. Collection method: in vitro. Allele origin: not applicable. Functional consequence: cryptic splice site, skipped exon. Not counted in ClinVar's aggregate classification.